The following is an entry in ClinVar:

NM_001114753.3(ENG):c.1234T>G (p.Cys412Gly)

Genes: ENG (endoglin; minus strand), LOC102723566 (uncharacterized LOC102723566; plus strand). Cytogenetic location: 9q34.11.
Variant type: single nucleotide variant.
Coding change: c.1234T>G on transcript NM_001114753.3 (MANE Select); coding-DNA position 1234, T replaced by G.
Protein change: p.Cys412Gly; replaces cysteine 412 with glycine.
Molecular consequence: missense variant.
Genome position (GRCh38, 1-based): chr9:127,819,938, A>C on the plus strand (T>G on the coding strand, the complement: ENG is on the minus strand). VCF-style: chr9-127819938-A-C. GRCh37 (hg19) VCF-style: chr9-130582217-A-C.
Other names: c.1234T>G, p.Cys412Gly (NM_000118.4); c.688T>G, p.Cys230Gly (NM_001278138.2); short protein forms C412G, C230G.
Identifiers: ClinVar variation 1040195 (VCV001040195.13), dbSNP rs1830432884, ClinGen allele CA374978392.

ClinVar aggregate classification (germline): Likely pathogenic (1 of 4 stars; one submission).

Conditions:
Hereditary hemorrhagic telangiectasia (HHT). Also called: Osler hemorrhagic telangiectasia syndrome; ORW DISEASE; Osler Weber Rendu syndrome; OSLER-RENDU-WEBER DISEASE. Identifiers: Orphanet 774, MedGen C0039445, MONDO:0019180. Disease mechanism: loss of function.

Submission:

Labcorp Genetics (formerly Invitae), Labcorp
Classification: Likely pathogenic for Hereditary hemorrhagic telangiectasia. Last evaluated: 2022-11-29. Review status: criteria provided, single submitter. Criteria: Invitae Variant Classification Sherloc (09022015). Collection method: clinical testing. Allele origin: germline.
Comment: ClinVar contains an entry for this variant (Variation ID: 1040195). This sequence change replaces cysteine, which is neutral and slightly polar, with glycine, which is neutral and non-polar, at codon 412 of the ENG protein (p.Cys412Gly). This variant is not present in population databases (gnomAD no frequency). This missense change has been observed in individual(s) with clinical features of hereditary hemorrhagic telangiectasia (Invitae). Advanced modeling of protein sequence and biophysical properties (such as structural, functional, and spatial information, amino acid conservation, physicochemical variation, residue mobility, and thermodynamic stability) performed at Invitae indicates that this missense variant is expected to disrupt ENG protein function. This variant disrupts the p.Cys412 amino acid residue in ENG. Other variant(s) that disrupt this residue have been determined to be pathogenic (PMID: 15024723, 22022569, 24196379, 25312062). This suggests that this residue is clinically significant, and that variants that disrupt this residue are likely to be disease-causing. In summary, the currently available evidence indicates that the variant is pathogenic, but additional data are needed to prove that conclusively. Therefore, this variant has been classified as Likely Pathogenic.

Literature cited by the submitters: PubMed 15024723; PubMed 22022569; PubMed 24196379; PubMed 25312062.